The following is an entry in ClinVar:

ClinVar aggregate classification (germline): Benign. Review status: criteria provided, multiple submitters, no conflicts (2 of 4 stars). 14 submissions from 13 submitters: Benign (12). 2 of the submissions do not count toward it. Last evaluated 2026-02-04.

Conditions:
Nemaline myopathy 2 (NEM2). Also called: Nemaline myopathy 2, autosomal recessive. Identifiers: MedGen C1850569, MONDO:0009725, OMIM 256030.
Arthrogryposis multiplex congenita 6. Identifiers: MedGen C5543431, MONDO:0030281, OMIM 619334.

Allele frequency attached by ClinVar (database versions not stated): gnomAD exomes 0.19230 and 0.23475; ESP Exome Variant Server 0.29511; ExAC 0.30184; gnomAD 0.30371 and 0.30571; TOPMed 0.31991; 1000 Genomes Project 30x 0.43270; 1000 Genomes Project 0.43490.
gnomAD v4.1: 328,375 of 1,604,590 alleles (20%); highest among the groups gnomAD compares: East Asian, 62%; 47,250 homozygotes.

Submissions (14):

Labcorp Genetics (formerly Invitae), Labcorp
Classification: Benign for Nemaline myopathy 2. Last evaluated: 2026-02-04. Review status: criteria provided, single submitter. Criteria: Invitae Variant Classification Sherloc (09022015). Collection method: clinical testing. Allele origin: germline.

Blueprint Genetics
Classification: Benign. Last evaluated: 2024-11-26. Review status: criteria provided, single submitter. Criteria: ACMG Guidelines, 2015. Collection method: clinical testing. Allele origin: germline.

Genome-Nilou Lab
Classification: Benign for Arthrogryposis multiplex congenita 6. Last evaluated: 2021-07-10. Review status: criteria provided, single submitter. Criteria: ACMG Guidelines, 2015. Collection method: clinical testing. Allele origin: germline. Affected: no.

Genome-Nilou Lab
Classification: Benign for Nemaline myopathy 2. Last evaluated: 2021-07-10. Review status: criteria provided, single submitter. Criteria: ACMG Guidelines, 2015. Collection method: clinical testing. Allele origin: germline. Affected: no.

Athena Diagnostics
Classification: Benign. Last evaluated: 2019-03-07. Review status: criteria provided, single submitter. Criteria: Athena Diagnostics Criteria. Collection method: clinical testing. Allele origin: germline.

Illumina Laboratory Services, Illumina
Classification: Benign for Nemaline myopathy 2. Last evaluated: 2018-01-13. Review status: criteria provided, single submitter. Criteria: ICSL Variant Classification Criteria 13 December 2019. Collection method: clinical testing. Allele origin: germline.
Comment: This variant was observed in the ICSL laboratory as part of a predisposition screen in an ostensibly healthy population. It had not been previously curated by ICSL or reported in the Human Gene Mutation Database (HGMD: prior to June 1st, 2018), and was therefore a candidate for classification through an automated scoring system. Utilizing variant allele frequency, disease prevalence and penetrance estimates, and inheritance mode, an automated score was calculated to assess if this variant is too frequent to cause the disease. Based on the score and internal cut-off values, a variant classified as benign is not then subjected to further curation. The score for this variant resulted in a classification of benign for this disease.

Mayo Clinic Laboratories, Mayo Clinic
Classification: Benign. Last evaluated: 2017-07-20. Review status: criteria provided, single submitter. Criteria: ACMG Guidelines, 2015. Collection method: clinical testing. Allele origin: germline. Observed: 232 variant alleles.

Women's Health and Genetics/Laboratory Corporation of America, LabCorp
Classification: Benign. Last evaluated: 2017-02-27. Review status: criteria provided, single submitter. Criteria: LabCorp Variant Classification Summary - May 2015. Collection method: clinical testing. Allele origin: germline.
Comment: Variant summary: The NEB c.5370G>A (p.Glu1790Glu) variant involves the alteration of a non-conserved nucleotide, resulting in a synonymous change. One in silico tool, Mutation Taster, predicts a polymorphism outcome for this variant. 5/5 splice prediction tools predict no significant impact on normal splicing. ESE finder predicts that this variant may create an SF2/ASF ESE site. However, these predictions have yet to be confirmed by functional studies. This variant was found in 25704/85158 control chromosomes (4373 homozygotes) at a frequency of 0.3018389, which is approximately 85 times the estimated maximal expected allele frequency of a pathogenic NEB variant (0.0035355), suggesting this variant is likely a benign polymorphism. In addition, multiple clinical diagnostic laboratories/reputable databases classified this variant as benign. The variant of interest has not, to our knowledge, been reported in affected individuals via publications nor evaluated for functional impact by in vivo/vitro studies. Taken together, this variant is classified as benign.

GeneDx
Classification: Benign. Last evaluated: 2016-01-05. Review status: criteria provided, single submitter. Criteria: GeneDx Variant Classification (06012015). Collection method: clinical testing. Allele origin: germline. Affected: yes.
Comment: This variant is considered likely benign or benign based on one or more of the following criteria: it is a conservative change, it occurs at a poorly conserved position in the protein, it is predicted to be benign by multiple in silico algorithms, and/or has population frequency not consistent with disease.

Laboratory for Molecular Medicine, Mass General Brigham Personalized Medicine
Classification: Benign. Last evaluated: 2014-11-26. Review status: criteria provided, single submitter. Criteria: LMM Criteria. Collection method: clinical testing. Allele origin: germline. Observed: 5 variant alleles.
Comment: p.Glu1790Glu in exon 44 of NEB: This variant is not expected to have clinical si gnificance because it has been identified in 58% (2157/3720) of African American chromosomes by the NHLBI Exome Sequencing Project (/EVS/; dbSNP rs10170273).

Breakthrough Genomics
Classification: Benign. Review status: criteria provided, single submitter. Criteria: ACMG Guidelines, 2015. Collection method: not provided. Allele origin: germline. Inheritance: Autosomal recessive inheritance. Affected: yes.

PreventionGenetics, part of Exact Sciences
Classification: Benign. Review status: criteria provided, single submitter. Criteria: ACMG Guidelines, 2015. Collection method: clinical testing. Allele origin: germline.

Natera, Inc.
Classification: Benign for Nemaline myopathy type 2. Last evaluated: 2020-09-16. Review status: no assertion criteria provided. Collection method: clinical testing. Allele origin: germline. Not counted in ClinVar's aggregate classification.

Genetic Services Laboratory, University of Chicago
Classification: Likely benign for AllHighlyPenetrant. Review status: no assertion criteria provided. Collection method: clinical testing. Allele origin: germline. Inheritance: Autosomal recessive inheritance. Not counted in ClinVar's aggregate classification.
Comment: Likely benign based on allele frequency in 1000 Genomes Project or ESP global frequency and its presence in a patient with a rare or unrelated disease phenotype. NOT Sanger confirmed.

NM_001164508.2(NEB):c.5370G>A (p.Glu1790=)

Gene: NEB (nebulin; minus strand). Cytogenetic location: 2q23.3.
Variant type: single nucleotide variant.
Coding change: c.5370G>A on transcript NM_001164508.2 (MANE Select); coding-DNA position 5370, G replaced by A.
Protein change: p.Glu1790=; no amino-acid change (glutamic acid 1790 retained).
Molecular consequence: synonymous variant.
Genome position (GRCh38, 1-based): chr2:151,664,582, C>T on the plus strand (G>A on the coding strand, the complement: NEB is on the minus strand). VCF-style: chr2-151664582-C-T. GRCh37 (hg19) VCF-style: chr2-152521096-C-T.
Other names: p.Glu1790=; c.5370G>A, p.Glu1790= (NM_001164507.2, NM_001271208.2, NM_004543.5).
Identifiers: ClinVar variation 129746 (VCV000129746.31), dbSNP rs10170273, ClinGen allele CA154000.